The following is an entry in ClinVar:

ClinVar aggregate classification (germline): Uncertain significance (1 of 4 stars; one submission).

Submission:

Labcorp Genetics (formerly Invitae), Labcorp
Classification: Uncertain significance. Last evaluated: 2026-01-08. Review status: criteria provided, single submitter. Criteria: Invitae Variant Classification Sherloc (09022015). Collection method: clinical testing. Allele origin: germline.
Comment: This sequence change replaces glutamine, which is neutral and polar, with arginine, which is basic and polar, at codon 83 of the ATAD3A protein (p.Gln83Arg). This variant is not present in population databases (gnomAD no frequency). This variant has not been reported in the literature in individuals affected with ATAD3A-related conditions. ClinVar contains an entry for this variant (Variation ID: 2773088). Invitae Evidence Modeling of protein sequence and biophysical properties (such as structural, functional, and spatial information, amino acid conservation, physicochemical variation, residue mobility, and thermodynamic stability) indicates that this missense variant is not expected to disrupt ATAD3A protein function with a negative predictive value of 80%. In summary, the available evidence is currently insufficient to determine the role of this variant in disease. Therefore, it has been classified as a Variant of Uncertain Significance.

NM_001170535.3(ATAD3A):c.248A>G (p.Gln83Arg)

Gene: ATAD3A (ATPase family AAA domain containing 3A; plus strand). Cytogenetic location: 1p36.33.
Variant type: single nucleotide variant.
Coding change: c.248A>G on transcript NM_001170535.3 (MANE Select); coding-DNA position 248, A replaced by G.
Protein change: p.Gln83Arg; replaces glutamine 83 with arginine.
Molecular consequence: missense variant.
Genome position (GRCh38, 1-based): chr1:1,516,054, A>G. VCF-style: chr1-1516054-A-G. GRCh37 (hg19) VCF-style: chr1-1451434-A-G.
Other names: c.11A>G, p.Gln4Arg (NM_001170536.3); c.248A>G, p.Gln83Arg (NM_018188.5); short protein forms Q4R, Q83R.
Identifiers: ClinVar variation 2773088 (VCV002773088.3), dbSNP rs2524128724, ClinGen allele CA337848840.